The following is an entry in ClinVar:

ClinVar aggregate classification (germline): Conflicting classifications of pathogenicity. Review status: criteria provided, conflicting classifications (1 of 4 stars). 5 submissions from 5 submitters: Uncertain significance (4); Likely benign (1). Last evaluated 2024-10-27.

Conditions:
Hereditary cancer-predisposing syndrome. Also called: Tumor predisposition; Hereditary Cancer Syndrome; Neoplastic Syndromes, Hereditary; Hereditary neoplastic syndrome. Identifiers: Orphanet 140162, MedGen C0027672, MeSH D009386, MONDO:0015356.
Breast-ovarian cancer, familial, susceptibility to, 1 (BROVCA1). Also called: BRCA1 Hereditary Breast and Ovarian Cancer; OVARIAN CANCER, SUSCEPTIBILITY TO. Identifiers: Orphanet 145, MedGen C2676676, MONDO:0011450, OMIM 604370. Disease mechanism: loss of function.
Hereditary breast ovarian cancer syndrome. Also called: Breast and ovarian cancer; Hereditary breast and ovarian cancer; Hereditary breast and ovarian cancer syndrome; Hereditary breast and/or ovarian cancer syndrome; BRCA1- and BRCA2-Associated Hereditary Breast and Ovarian Cancer; Hereditary breast and ovarian cancer syndrome (HBOC). Identifiers: Orphanet 145, MedGen C0677776, MeSH D061325, MONDO:0003582. Disease mechanism: loss of function.

Allele frequency attached by ClinVar (database versions not stated): gnomAD exomes below 0.00001.
gnomAD v4.1: 1 of 1,614,076 alleles (0.000062%); highest among the groups gnomAD compares: Non-Finnish European, 0.000085%; no homozygotes.

Submissions (5):

Ambry Genetics
Classification: Uncertain significance for Hereditary cancer-predisposing syndrome. Last evaluated: 2024-10-27. Review status: criteria provided, single submitter. Criteria: Ambry Variant Classification Scheme 2023. Collection method: clinical testing. Allele origin: germline.
Comment: The p.D1169Y variant (also known as c.3505G>T), located in coding exon 9 of the BRCA1 gene, results from a G to T substitution at nucleotide position 3505. The aspartic acid at codon 1169 is replaced by tyrosine, an amino acid with highly dissimilar properties. This amino acid position is not well conserved in available vertebrate species. In addition, the in silico prediction for this alteration is inconclusive. Since supporting evidence is limited at this time, the clinical significance of this alteration remains unclear.

Labcorp Genetics (formerly Invitae), Labcorp
Classification: Uncertain significance for Hereditary breast ovarian cancer syndrome. Last evaluated: 2024-04-22. Review status: criteria provided, single submitter. Criteria: Invitae Variant Classification Sherloc (09022015). Collection method: clinical testing. Allele origin: germline.
Comment: This sequence change replaces aspartic acid, which is acidic and polar, with tyrosine, which is neutral and polar, at codon 1169 of the BRCA1 protein (p.Asp1169Tyr). This variant is not present in population databases (gnomAD no frequency). This variant has not been reported in the literature in individuals affected with BRCA1-related conditions. ClinVar contains an entry for this variant (Variation ID: 231627). Advanced modeling of protein sequence and biophysical properties (such as structural, functional, and spatial information, amino acid conservation, physicochemical variation, residue mobility, and thermodynamic stability) performed at Invitae indicates that this missense variant is not expected to disrupt BRCA1 protein function with a negative predictive value of 95%. In summary, the available evidence is currently insufficient to determine the role of this variant in disease. Therefore, it has been classified as a Variant of Uncertain Significance.

All of Us Research Program, National Institutes of Health
Classification: Uncertain significance for Breast-ovarian cancer, familial, susceptibility to, 1. Last evaluated: 2023-08-15. Review status: criteria provided, single submitter. Criteria: ACMG Guidelines, 2015. Collection method: clinical testing. Allele origin: germline. Inheritance: Autosomal dominant inheritance. Observed: 1 variant allele, 1 heterozygote.
Comment: This study involves interpretation of variants in research participants for the purpose of population health screening. Participant phenotype was not available at the time of variant classification. Additional details can be found in publication PMID: 35346344, PMCID: PMC8962531

University of Washington Department of Laboratory Medicine, University of Washington
Classification: Likely benign for Hereditary cancer-predisposing syndrome. Last evaluated: 2023-03-23. Review status: criteria provided, single submitter. Criteria: Dines et al. (Genet Med. 2020). Collection method: curation. Allele origin: germline.
Comment: Missense variant in a coldspot region where missense variants are very unlikely to be pathogenic (PMID:31911673).

BRCA1 coldspot (exon 11 using historical exon numbering). Reclassification based on statistical prior probability

Color Diagnostics, LLC DBA Color Health
Classification: Uncertain significance for Hereditary cancer-predisposing syndrome. Last evaluated: 2019-04-04. Review status: criteria provided, single submitter. Criteria: ACMG Guidelines, 2015. Collection method: clinical testing. Allele origin: germline.

NM_007294.4(BRCA1):c.3505G>T (p.Asp1169Tyr)

Genes: BRCA1 (BRCA1 DNA repair associated; minus strand), LOC126862571 (BRD4-independent group 4 enhancer GRCh37_chr17:41243136-41244335; plus strand). Cytogenetic location: 17q21.31.
Variant type: single nucleotide variant.
Coding change: c.3505G>T on transcript NM_007294.4 (MANE Select); coding-DNA position 3505, G replaced by T.
Protein change: p.Asp1169Tyr; replaces aspartic acid 1169 with tyrosine.
Molecular consequence: missense variant. On other transcripts: intron variant (135).
Genome position (GRCh38, 1-based): chr17:43,092,026, C>A on the plus strand (G>T on the coding strand, the complement: BRCA1 is on the minus strand). VCF-style: chr17-43092026-C-A. GRCh37 (hg19) VCF-style: chr17-41244043-C-A.
Other names: c.3361G>T, p.Asp1121Tyr (NM_001407848.1, NM_001407849.1, NM_001407943.1 and 20 more transcripts); c.3364G>T, p.Asp1122Tyr (NM_001407850.1, NM_001407851.1, NM_001407852.1 and 29 more transcripts); c.3292G>T, p.Asp1098Tyr (NM_001407853.1, NM_001407894.1, NM_001407895.1 and 9 more transcripts); c.3505G>T, p.Asp1169Tyr (NM_001407854.1, NM_001407858.1, NM_001407859.1 and 30 more transcripts); c.3502G>T, p.Asp1168Tyr (NM_001407860.1, NM_001407861.1, NM_001407587.1 and 22 more transcripts); c.3304G>T, p.Asp1102Tyr (NM_001407862.1); c.3382G>T, p.Asp1128Tyr (NM_001407863.1, NM_001407919.1, NM_001407937.1 and 19 more transcripts); c.3301G>T, p.Asp1101Tyr (NM_001407874.1, NM_001407875.1); and 41 more; short protein forms D1169Y, D1122Y, D1001Y, D1041Y, D1098Y, D1127Y, D1166Y, D301Y.
Identifiers: ClinVar variation 231627 (VCV000231627.21), dbSNP rs876659269, ClinGen allele CA10580558.